The following is an entry in ClinVar:

ClinVar aggregate classification (germline): Likely benign (1 of 4 stars; one submission).

Conditions:
Exostoses, multiple, type 2 (EXT2). Also called: Hereditary Multiple Osteochondromatosis, Type II; EXOSTOSES, MULTIPLE, TYPE II. Identifiers: Orphanet 321, MedGen C1851413, MONDO:0007586, OMIM 133701.

Allele frequency attached by ClinVar (database versions not stated): TOPMed 0.00024; 1000 Genomes Project 30x 0.00047; 1000 Genomes Project 0.00060; gnomAD 0.00011 and 0.00016; gnomAD exomes 0.00019.
gnomAD v4.1: 151 of 827,296 alleles (0.018%); highest among the groups gnomAD compares: East Asian, 0.34%; no homozygotes.

Submission:

Illumina Laboratory Services, Illumina
Classification: Likely benign for Exostoses, multiple, type 2. Last evaluated: 2017-04-27. Review status: criteria provided, single submitter. Criteria: ICSL Variant Classification Criteria 13 December 2019. Collection method: clinical testing. Allele origin: germline.
Comment: This variant was observed as part of a predisposition screen in an ostensibly healthy population. A literature search was performed for the gene, cDNA change, and amino acid change (where applicable). Publications were found based on this search. The evidence from the literature, in combination with allele frequency data from public databases where available, was sufficient to determine this variant is unlikely to cause disease. Therefore, this variant is classified as likely benign.

Literature cited by the submitters: PubMed 24496678.

NM_207122.2(EXT2):c.*139C>G

Gene: EXT2 (exostosin glycosyltransferase 2; plus strand). Cytogenetic location: 11p11.2.
Variant type: single nucleotide variant.
Coding change: c.*139C>G on transcript NM_207122.2 (MANE Select); 139 bases downstream of the stop codon, C replaced by G.
Molecular consequence: 3 prime UTR variant.
Genome position (GRCh38, 1-based): chr11:44,244,426, C>G. VCF-style: chr11-44244426-C-G. GRCh37 (hg19) VCF-style: chr11-44265976-C-G.
Other names: c.*139C>G (NM_000401.3, NM_001178083.3, NM_001389628.1 and 1 more transcripts).
Identifiers: ClinVar variation 304599 (VCV000304599.5), dbSNP rs191451519, ClinGen allele CA10638472.
Genomic context (GRCh38, chr11:44,244,426, plus strand): 5'-AGTAGTAGGTTAAGGGTGGAAGGTTGACCTACTTGGATCTTGGCATGCACCCACCTAACC[C>G]ACTTTCTCAAGAACAAGAACCTAGAATGAATATCCAAGCACCTCGAGCTATGCAACCTCT-3'